The following is an entry in ClinVar:

ClinVar aggregate classification (germline): Likely pathogenic (1 of 4 stars; one submission).

Submission:

GeneDx
Classification: Likely pathogenic. Last evaluated: 2017-08-03. Review status: criteria provided, single submitter. Criteria: GeneDx Variant Classification (06012015). Collection method: clinical testing. Allele origin: germline. Affected: yes.
Comment: The E29X variant is not observed in large population cohorts (Lek et al., 2016; 1000 Genomes Consortium et al., 2015; Exome Variant Server). This variant is predicted to cause loss of normal protein function either through protein truncation or nonsense-mediated mRNA decay. Although, the E29X variant has not been previously reported to our knowledge, other nonsense variants in the PRRT2 gene have been reported in the Human Gene Mutation Database in association with PRRT2-related disorders (Stenson et al., 2014).

NM_145239.3(PRRT2):c.85G>T (p.Glu29Ter)

Genes: MVP-DT (MVP divergent transcript; minus strand), PRRT2 (proline rich transmembrane protein 2; plus strand). Cytogenetic location: 16p11.2.
Variant type: single nucleotide variant.
Coding change: c.85G>T on transcript NM_145239.3 (MANE Select); coding-DNA position 85, G replaced by T.
Protein change: p.Glu29Ter; replaces glutamic acid 29 with a stop codon.
Molecular consequence: nonsense.
Genome position (GRCh38, 1-based): chr16:29,813,139, G>T. VCF-style: chr16-29813139-G-T. GRCh37 (hg19) VCF-style: chr16-29824460-G-T.
Other names: c.85G>T, p.Glu29Ter (NM_001256442.2, NM_001256443.2); short protein forms E29*.
Identifiers: ClinVar variation 451104 (VCV000451104.2), dbSNP rs1555502574, ClinGen allele CA395477213.